The following is an entry in ClinVar:

NM_000287.4(PEX6):c.1092A>G (p.Gln364=)

Gene: PEX6 (peroxisomal biogenesis factor 6; minus strand). Cytogenetic location: 6p21.1.
Variant type: single nucleotide variant.
Coding change: c.1092A>G on transcript NM_000287.4 (MANE Select); coding-DNA position 1092, A replaced by G.
Protein change: p.Gln364=; no amino-acid change (glutamine 364 retained).
Molecular consequence: synonymous variant. On other transcripts: non-coding transcript variant (1).
Genome position (GRCh38, 1-based): chr6:42,974,041, T>C on the plus strand (A>G on the coding strand, the complement: PEX6 is on the minus strand). VCF-style: chr6-42974041-T-C. GRCh37 (hg19) VCF-style: chr6-42941779-T-C.
Other names: c.828A>G, p.Gln276= (NM_001316313.2).
Identifiers: ClinVar variation 909154 (VCV000909154.9), dbSNP rs1241222298, ClinGen allele CA450254333.

ClinVar aggregate classification (germline): Uncertain significance. Review status: criteria provided, multiple submitters, no conflicts (2 of 4 stars). 2 submissions from 2 submitters: Uncertain significance (2). Last evaluated 2022-05-24.

Conditions:
Peroxisome biogenesis disorder 4A (Zellweger) (PBD4A). Also called: Zellweger syndrome spectrum (PEX6-related). Identifiers: Orphanet 912, MedGen C3553936, MONDO:0013930, OMIM 614862. Disease mechanism: loss of function.
Peroxisome biogenesis disorder. Identifiers: Orphanet 79189, MedGen C1832200, MONDO:0019234. Disease mechanism: loss of function.

Allele frequency attached by ClinVar (database versions not stated): TOPMed 0.00001.

Submissions (2):

Labcorp Genetics (formerly Invitae), Labcorp
Classification: Uncertain significance for Peroxisome biogenesis disorder. Last evaluated: 2022-05-24. Review status: criteria provided, single submitter. Criteria: Invitae Variant Classification Sherloc (09022015). Collection method: clinical testing. Allele origin: germline.
Comment: This sequence change affects codon 364 of the PEX6 mRNA. It is a 'silent' change, meaning that it does not change the encoded amino acid sequence of the PEX6 protein. This variant is not present in population databases (gnomAD no frequency). This variant has not been reported in the literature in individuals affected with PEX6-related conditions. ClinVar contains an entry for this variant (Variation ID: 909154). Algorithms developed to predict the effect of sequence changes on RNA splicing suggest that this variant may disrupt the consensus splice site. In summary, the available evidence is currently insufficient to determine the role of this variant in disease. Therefore, it has been classified as a Variant of Uncertain Significance.

Illumina Laboratory Services, Illumina
Classification: Uncertain significance for Peroxisome biogenesis disorder 4A (Zellweger). Last evaluated: 2018-01-12. Review status: criteria provided, single submitter. Criteria: ICSL Variant Classification Criteria 13 December 2019. Collection method: clinical testing. Allele origin: germline.